The following is an entry in ClinVar:

NM_016222.4(DDX41):c.65G>A (p.Arg22His)

Gene: DDX41 (DEAD-box helicase 41; minus strand). Cytogenetic location: 5q35.3.
Variant type: single nucleotide variant.
Coding change: c.65G>A on transcript NM_016222.4 (MANE Select); coding-DNA position 65, G replaced by A.
Protein change: p.Arg22His; replaces arginine 22 with histidine.
Molecular consequence: missense variant. On other transcripts: 5 prime UTR variant (2).
Genome position (GRCh38, 1-based): chr5:177,516,798, C>T on the plus strand (G>A on the coding strand, the complement: DDX41 is on the minus strand). VCF-style: chr5-177516798-C-T. GRCh37 (hg19) VCF-style: chr5-176943799-C-T.
Other names: c.65G>A (NM_016222.2); c.-591G>A (NM_001321732.2); c.-383G>A (NM_001321830.2); short protein forms R22H.
Identifiers: ClinVar variation 2084495 (VCV002084495.6), dbSNP rs1330322681, ClinGen allele CA362377918.

ClinVar aggregate classification (germline): Uncertain significance. Review status: criteria provided, multiple submitters, no conflicts (2 of 4 stars). 3 submissions from 3 submitters: Uncertain significance (3). Last evaluated 2025-11-11.

Conditions:
Inborn genetic diseases. Identifiers: MedGen C0950123, MeSH D030342.
DDX41-related hematologic malignancy predisposition syndrome. Also called: DDX41-Associated Familial Myelodysplastic Syndrome and Acute Myeloid Leukemia; Myeloproliferative/lymphoproliferative neoplasms, familial (multiple types), susceptibility to. Identifiers: Orphanet 488647, MedGen C4225174, MONDO:0014809, OMIM 616871.

Submissions (3):

Labcorp Genetics (formerly Invitae), Labcorp
Classification: Uncertain significance. Last evaluated: 2025-11-11. Review status: criteria provided, single submitter. Criteria: Invitae Variant Classification Sherloc (09022015). Collection method: clinical testing. Allele origin: germline.
Comment: This sequence change replaces arginine, which is basic and polar, with histidine, which is basic and polar, at codon 22 of the DDX41 protein (p.Arg22His). This variant is present in population databases (no rsID available, gnomAD 0.003%). This variant has not been reported in the literature in individuals affected with DDX41-related conditions. ClinVar contains an entry for this variant (Variation ID: 2084495). An algorithm developed to predict the effect of missense changes on protein structure and function outputs the following: PolyPhen-2: "Benign". The histidine amino acid residue is found in multiple mammalian species, which suggests that this missense change does not adversely affect protein function. In summary, the available evidence is currently insufficient to determine the role of this variant in disease. Therefore, it has been classified as a Variant of Uncertain Significance.

Ambry Genetics
Classification: Uncertain significance for Inborn genetic diseases. Last evaluated: 2025-03-09. Review status: criteria provided, single submitter. Criteria: Ambry Variant Classification Scheme 2023. Collection method: clinical testing. Allele origin: germline.
Comment: The p.R22H variant (also known as c.65G>A), located in coding exon 2 of the DDX41 gene, results from a G to A substitution at nucleotide position 65. The arginine at codon 22 is replaced by histidine, an amino acid with highly similar properties. This amino acid position is conserved. In addition, this alteration is predicted to be tolerated by in silico analysis. Based on the available evidence, the clinical significance of this variant remains unclear.

Baylor Genetics
Classification: Uncertain significance for DDX41-related hematologic malignancy predisposition syndrome. Last evaluated: 2023-05-23. Review status: criteria provided, single submitter. Criteria: ACMG Guidelines, 2015. Collection method: clinical testing. Allele origin: unknown.